The following is an entry in ClinVar:

NM_000744.7(CHRNA4):c.1625C>T (p.Pro542Leu)

Gene: CHRNA4 (cholinergic receptor nicotinic alpha 4 subunit; minus strand). Cytogenetic location: 20q13.33.
Variant type: single nucleotide variant.
Coding change: c.1625C>T on transcript NM_000744.7 (MANE Select); coding-DNA position 1625, C replaced by T.
Protein change: p.Pro542Leu; replaces proline 542 with leucine.
Molecular consequence: missense variant. On other transcripts: non-coding transcript variant (1).
Genome position (GRCh38, 1-based): chr20:63,349,786, G>A on the plus strand (C>T on the coding strand, the complement: CHRNA4 is on the minus strand). VCF-style: chr20-63349786-G-A. GRCh37 (hg19) VCF-style: chr20-61981138-G-A.
Other names: p.Pro542Leu; c.1097C>T, p.Pro366Leu (NM_001256573.2); short protein forms P542L, P366L.
Identifiers: ClinVar variation 98319 (VCV000098319.10), dbSNP rs121912281, ClinGen allele CA150418.

ClinVar aggregate classification (germline): Conflicting classifications of pathogenicity. Review status: criteria provided, conflicting classifications (1 of 4 stars). 4 submissions from 4 submitters: Uncertain significance (2); Likely benign (1). 1 of the submissions does not count toward it. Last evaluated 2025-06-10.

Conditions:
Tobacco use disorder. Identifiers: MedGen C0040336.
Inborn genetic diseases. Identifiers: MedGen C0950123, MeSH D030342.
Familial sleep-related hypermotor epilepsy. Also called: Autosomal Dominant Sleep-Related Hypermotor (Hyperkinetic) Epilepsy. Identifiers: Orphanet 98784, MedGen C3696898, MONDO:0000030.

Allele frequency attached by ClinVar (database versions not stated): gnomAD exomes 0.00002; ExAC 0.00004; gnomAD 0.00004; ESP Exome Variant Server 0.00008; TOPMed 0.00005.
gnomAD v4.1: 33 of 1,608,824 alleles (0.0021%); highest among the groups gnomAD compares: African/African-American, 0.008%; no homozygotes.

Submissions (4):

Labcorp Genetics (formerly Invitae), Labcorp
Classification: Uncertain significance. Last evaluated: 2025-06-10. Review status: criteria provided, single submitter. Criteria: Invitae Variant Classification Sherloc (09022015). Collection method: clinical testing. Allele origin: germline.
Comment: This sequence change replaces proline, which is neutral and non-polar, with leucine, which is neutral and non-polar, at codon 542 of the CHRNA4 protein (p.Pro542Leu). This variant is present in population databases (rs121912281, gnomAD 0.01%). This variant has not been reported in the literature in individuals affected with CHRNA4-related conditions. ClinVar contains an entry for this variant (Variation ID: 98319). Invitae Evidence Modeling of protein sequence and biophysical properties (such as structural, functional, and spatial information, amino acid conservation, physicochemical variation, residue mobility, and thermodynamic stability) indicates that this missense variant is not expected to disrupt CHRNA4 protein function with a negative predictive value of 80%. In summary, the available evidence is currently insufficient to determine the role of this variant in disease. Therefore, it has been classified as a Variant of Uncertain Significance.

Mayo Clinic Laboratories, Mayo Clinic
Classification: Uncertain significance. Last evaluated: 2023-12-19. Review status: criteria provided, single submitter. Criteria: ACMG Guidelines, 2015. Collection method: clinical testing. Allele origin: germline. Observed: 1 variant allele.
Comment: BP4

Ambry Genetics
Classification: Likely benign for Inborn genetic diseases. Last evaluated: 2018-07-31. Review status: criteria provided, single submitter. Criteria: Ambry Variant Classification Scheme 2023. Collection method: clinical testing. Allele origin: germline.

Psychiatry Genetics Yale University
No classification provided. Review status: no classification provided. Collection method: not provided. Allele origin: somatic. Not counted in ClinVar's aggregate classification.